The following is an entry in ClinVar:

ClinVar aggregate classification (germline): Pathogenic (1 of 4 stars; one submission).

Conditions:
Marfan syndrome (MFS). Also called: Marfan syndrome type 1; Marfan's syndrome; FBN1-Related Marfan Syndrome; MARFAN SYNDROME, TYPE I; Marfan syndrome, classic. Identifiers: Orphanet 284963, Orphanet 558, MedGen C0024796, MONDO:0007947, OMIM 154700.
Familial thoracic aortic aneurysm and aortic dissection (TAAD). Also called: Thoracic aortic aneurysms and dissections. Identifiers: Orphanet 91387, MedGen C4707243, MONDO:0019625.

Submission:

Labcorp Genetics (formerly Invitae), Labcorp
Classification: Pathogenic for Marfan syndrome; Familial thoracic aortic aneurysm and aortic dissection. Last evaluated: 2025-02-04. Review status: criteria provided, single submitter. Criteria: Invitae Variant Classification Sherloc (09022015). Collection method: clinical testing. Allele origin: germline.
Comment: This sequence change creates a premature translational stop signal (p.Tyr335Leufs*12) in the FBN1 gene. It is expected to result in an absent or disrupted protein product. Loss-of-function variants in FBN1 are known to be pathogenic (PMID: 17657824, 19293843). This variant is not present in population databases (gnomAD no frequency). This variant has not been reported in the literature in individuals affected with FBN1-related conditions. ClinVar contains an entry for this variant (Variation ID: 1399454). For these reasons, this variant has been classified as Pathogenic.

Literature cited by the submitters: PubMed 17657824; PubMed 19293843.

NM_000138.5(FBN1):c.1003_1004del (p.Tyr335fs)

Genes: FBN1 (fibrillin 1; minus strand), LOC113939944 (Sharpr-MPRA regulatory region 9539; plus strand). Cytogenetic location: 15q21.1.
Variant type: Deletion.
Coding change: c.1003_1004del on transcript NM_000138.5 (MANE Select); coding-DNA positions 1003 to 1004, 2 bases deleted (TA; older notation c.1003_1004delTA).
Protein change: p.Tyr335fs; shifts the reading frame from tyrosine 335.
Molecular consequence: frameshift variant.
Genome position (GRCh38, 1-based): chr15:48,520,802-48,520,803, TA deleted on the plus strand (TA on the coding strand, the reverse complement: FBN1 is on the minus strand); deleting any 2 consecutive bases within chr15:48,520,802-48,520,804 gives the same sequence; the c. name uses the placement nearest the transcript's 3' end. VCF-style (leftmost placement, unchanged base first): chr15-48520801-GTA-G. GRCh37 (hg19) VCF-style: chr15-48812998-GTA-G.
Other names: short protein forms Y335fs.
Identifiers: ClinVar variation 1399454 (VCV001399454.6), dbSNP rs2141336256, ClinGen allele CA2573150790.